The following is an entry in ClinVar:

NM_032119.4(ADGRV1):c.16000A>G (p.Asn5334Asp)

Gene: ADGRV1 (adhesion G protein-coupled receptor V1; plus strand). Cytogenetic location: 5q14.3.
Variant type: single nucleotide variant.
Coding change: c.16000A>G on transcript NM_032119.4 (MANE Select); coding-DNA position 16000, A replaced by G.
Protein change: p.Asn5334Asp; replaces asparagine 5334 with aspartic acid.
Molecular consequence: missense variant. On other transcripts: non-coding transcript variant (1).
Genome position (GRCh38, 1-based): chr5:90,811,260, A>G. VCF-style: chr5-90811260-A-G. GRCh37 (hg19) VCF-style: chr5-90107077-A-G.
Other names: short protein forms N5334D.
Identifiers: ClinVar variation 4994977 (VCV004994977.1).

ClinVar aggregate classification (germline): Uncertain significance (1 of 4 stars; one submission).

Conditions:
ADGRV1-related disorder. Also called: ADGRV1-related condition; ADGRV1-related disorders.

gnomAD v4.1: 6 of 1,612,798 alleles (0.00037%); highest among the groups gnomAD compares: Admixed American, 0.0084%; no homozygotes.

Submission:

PreventionGenetics, part of Exact Sciences
Classification: Uncertain significance for ADGRV1-related condition. Last evaluated: 2025-12-05. Review status: criteria provided, single submitter. Criteria: ACMG Guidelines, 2015. Collection method: clinical testing. Allele origin: germline.
Comment: The ADGRV1 c.16000A>G variant is predicted to result in the amino acid substitution p.Asn5334Asp. To our knowledge, this variant has not been reported in the literature. This variant is reported in 0.0086% of alleles in individuals of Latino descent in gnomAD. At this time, the clinical significance of this variant is uncertain due to the absence of conclusive functional and genetic evidence.